The following is an entry in ClinVar:

ClinVar aggregate classification (germline): Likely benign (1 of 4 stars; one submission).

Allele frequency attached by ClinVar (database versions not stated): ExAC 0.00022; ESP Exome Variant Server 0.00023; gnomAD exomes 0.00023 and 0.00025; TOPMed 0.00024; gnomAD 0.00036 and 0.00038.
gnomAD v4.1: 388 of 1,613,150 alleles (0.024%); highest among the groups gnomAD compares: Non-Finnish European, 0.029%; 1 homozygote.

Submission:

CeGaT Center for Human Genetics Tuebingen
Classification: Likely benign. Last evaluated: 2025-10-01. Review status: criteria provided, single submitter. Criteria: CeGaT Center For Human Genetics Tuebingen Variant Classification Criteria Version 2. Collection method: clinical testing. Allele origin: germline. Affected: yes. Observed: 5 variant alleles.
Comment: SMARCC2: BP4, BP7

NM_001330288.2(SMARCC2):c.3354T>G (p.Pro1118=)

Gene: SMARCC2 (SWI/SNF related BAF chromatin remodeling complex subunit C2; minus strand). Cytogenetic location: 12q13.2.
Variant type: single nucleotide variant.
Coding change: c.3354T>G on transcript NM_001330288.2 (MANE Select); coding-DNA position 3354, T replaced by G.
Protein change: p.Pro1118=; no amino-acid change (proline 1118 retained).
Molecular consequence: synonymous variant. On other transcripts: intron variant (2).
Genome position (GRCh38, 1-based): chr12:56,164,610, A>C on the plus strand (T>G on the coding strand, the complement: SMARCC2 is on the minus strand). VCF-style: chr12-56164610-A-C. GRCh37 (hg19) VCF-style: chr12-56558394-A-C.
Other names: c.3261T>G, p.Pro1087= (NM_003075.5); c.3316+38T>G (NM_139067.4, NM_001130420.3).
Identifiers: ClinVar variation 1675503 (VCV001675503.33), dbSNP rs141265342, ClinGen allele CA6625570.
Genomic context (GRCh38, chr12:56,164,610, plus strand): 5'-ACTGATGGAGTCAGCTAGACTACCAAATGGGATGATGGATGGAGCAGGAGGAGGAGGAGG[A>C]GGCGGCATGCCAAAAGGCAAACCCAAAGGAGCATTACCCGCCACGCCTGGGTGCCCGCTG-3'
Protein context (NP_001317217.1, residues 1108-1128): APLGLPFGMP[Pro1118=]PPPPPAPSII